The following is an entry in ClinVar:

NM_022455.5(NSD1):c.5975A>G (p.Asp1992Gly)

Gene: NSD1 (nuclear receptor binding SET domain protein 1; plus strand). Cytogenetic location: 5q35.3.
Variant type: single nucleotide variant.
Coding change: c.5975A>G on transcript NM_022455.5 (MANE Select); coding-DNA position 5975, A replaced by G.
Protein change: p.Asp1992Gly; replaces aspartic acid 1992 with glycine.
Molecular consequence: missense variant.
Genome position (GRCh38, 1-based): chr5:177,282,547, A>G. VCF-style: chr5-177282547-A-G. GRCh37 (hg19) VCF-style: chr5-176709548-A-G.
Other names: c.5975A>G, p.Asp1992Gly (NM_001409301.1, NM_001409302.1, NM_001409303.1); c.5555A>G, p.Asp1852Gly (NM_001409304.1); c.5222A>G, p.Asp1741Gly (NM_001409305.1); c.5213A>G, p.Asp1738Gly (NM_001409306.1, NM_001409307.1); c.5102A>G, p.Asp1701Gly (NM_001409308.1, NM_001409309.1, NM_172349.5 and 1 more transcripts); short protein forms D1701G, D1992G, D1723G, D1738G, D1741G, D1852G.
Identifiers: ClinVar variation 2101078 (VCV002101078.5), dbSNP rs1758977193, ClinGen allele CA362315932.
Genomic context (GRCh38, chr5:177,282,547, plus strand): 5'-TGGGTGAGCTTATAGATGAAGAAGAATGCAGAGCTCGAATTCGCTATGCTCAAGAACATG[A>G]TATCACTAATTTCTATATGCTCACCCTAGACAAAGTAAGTAATGGGAAATGCTGTTTTCA-3'
Protein context (NP_071900.2, residues 1982-2002): RARIRYAQEH[Asp1992Gly]ITNFYMLTLD

ClinVar aggregate classification (germline): Uncertain significance. Review status: criteria provided, multiple submitters, no conflicts (2 of 4 stars). 2 submissions from 2 submitters: Uncertain significance (2). Last evaluated 2025-02-11.

Allele frequency attached by ClinVar (database versions not stated): gnomAD exomes below 0.00001; TOPMed below 0.00001; gnomAD 0.00001.
gnomAD v4.1: 4 of 1,612,668 alleles (0.00025%); highest among the groups gnomAD compares: East Asian, 0.0022%; no homozygotes.

Submissions (2):

GeneDx
Classification: Uncertain significance. Last evaluated: 2025-02-11. Review status: criteria provided, single submitter. Criteria: GeneDx Variant Classification Process June 2021. Collection method: clinical testing. Allele origin: germline. Affected: yes.
Comment: Not observed at significant frequency in large population cohorts (gnomAD); In silico analysis supports that this missense variant has a deleterious effect on protein structure/function; Has not been previously published as pathogenic or benign to our knowledge

Labcorp Genetics (formerly Invitae), Labcorp
Classification: Uncertain significance. Last evaluated: 2022-02-21. Review status: criteria provided, single submitter. Criteria: Invitae Variant Classification Sherloc (09022015). Collection method: clinical testing. Allele origin: germline.
Comment: In summary, the available evidence is currently insufficient to determine the role of this variant in disease. Therefore, it has been classified as a Variant of Uncertain Significance. Advanced modeling of protein sequence and biophysical properties (such as structural, functional, and spatial information, amino acid conservation, physicochemical variation, residue mobility, and thermodynamic stability) performed at Invitae indicates that this missense variant is not expected to disrupt NSD1 protein function. This variant has not been reported in the literature in individuals affected with NSD1-related conditions. This variant is not present in population databases (gnomAD no frequency). This sequence change replaces aspartic acid, which is acidic and polar, with glycine, which is neutral and non-polar, at codon 1992 of the NSD1 protein (p.Asp1992Gly).